The following is an entry in ClinVar:

ClinVar aggregate classification (germline): Pathogenic (3 of 4 stars; one submission).

Conditions:
Lynch syndrome. Identifiers: Orphanet 144, MedGen C4552100, MONDO:0005835. Disease mechanism: loss of function.

Submission:

International Society for Gastrointestinal Hereditary Tumours (InSiGHT)
Classification: Pathogenic for Lynch Syndrome. Last evaluated: 2013-09-05. Review status: reviewed by expert panel. Criteria: Guidelines v1.9. Collection method: research. Allele origin: germline.
Comment: In-frame large deletion interrupting ATPase domain [pmid:11574484 Guarne:2001]

Classified with v1.9 guidelines

NM_000535.6(PMS2):c.354-?_803+?del

Gene: PMS2 (PMS1 homolog 2, mismatch repair system component; minus strand).
Variant type: Deletion.
Coding change: c.354-?_803+?del on transcript NM_000535.6.
Other names: c.354-?_803+?del (LRG_161t1).
Identifiers: ClinVar variation 91354 (VCV000091354.2).